The following is an entry in ClinVar:

NM_020762.4(SRGAP1):c.805_806delinsGT (p.Cys269Val)

Gene: SRGAP1 (SLIT-ROBO Rho GTPase activating protein 1; plus strand). Cytogenetic location: 12q14.2.
Variant type: Indel.
Coding change: c.805_806delinsGT on transcript NM_020762.4 (MANE Select); coding-DNA positions 805 to 806, TG replaced by GT.
Protein change: p.Cys269Val; replaces cysteine 269 with valine.
Molecular consequence: missense variant.
Genome position (GRCh38, 1-based): chr12:64,062,920-64,062,921, TG replaced by GT. VCF-style: chr12-64062920-TG-GT. GRCh37 (hg19) VCF-style: chr12-64456700-TG-GT.
Other names: c.805_806delinsGT, p.Cys269Val (NM_001346201.2); short protein forms C269V.
Identifiers: ClinVar variation 2635302 (VCV002635302.1), dbSNP rs2498998259, ClinGen allele CA2695199105.
Genomic context (GRCh38, chr12:64,062,920, plus strand): 5'-TTGTCTTTGATCAATTTTGCATTCATTTTTGTATGTGGTGTTCTTTTACTTTTTAAGTGC[TG>GT]TGATCTTGGCTACCATGCAAGTCTGAACAGAGCCCTAAGAACATATCTGTCTGCGGAGTA-3'
Protein context (NP_065813.1, residues 259-279): IHDLSDLIDC[Cys269Val]DLGYHASLNR

ClinVar aggregate classification (germline): Uncertain significance (1 of 4 stars; one submission).

Conditions:
SRGAP1-related disorder. Also called: SRGAP1-related condition.

Submission:

PreventionGenetics, part of Exact Sciences
Classification: Uncertain significance for SRGAP1-related condition. Last evaluated: 2022-11-17. Review status: criteria provided, single submitter. Criteria: ACMG Guidelines, 2015. Collection method: clinical testing. Allele origin: germline.
Comment: The SRGAP1 c.805_806delinsGT variant is predicted to result in an in-frame deletion and insertion. To our knowledge, this variant has not been reported in the literature or in a large population database, indicating this variant is rare. A different substitution at this codon (p.Cys269Tyr) has been reported in a patient with multicystic dysplastic kidney and was inherited from a mother with a right duplicated kidney (van der Ven AT et al 2018. PubMed ID: 30143558; Hwang DY et al 2015. PubMed ID: 26026792). At this time, the clinical significance of this variant is uncertain due to the absence of conclusive functional and genetic evidence.